The following is an entry in ClinVar:

ClinVar aggregate classification (germline): Uncertain significance (1 of 4 stars; one submission).

Conditions:
Developmental and epileptic encephalopathy 94 (DEE94). Also called: Epileptic encephalopathy, childhood-onset; CHD2-Related Neurodevelopmental Disorders. Identifiers: Orphanet 1942, Orphanet 2382, MedGen C3809278, MONDO:0014150, OMIM 615369.

Submission:

Labcorp Genetics (formerly Invitae), Labcorp
Classification: Uncertain significance for Developmental and epileptic encephalopathy 94. Last evaluated: 2022-08-09. Review status: criteria provided, single submitter. Criteria: Invitae Variant Classification Sherloc (09022015). Collection method: clinical testing. Allele origin: germline.
Comment: In summary, the available evidence is currently insufficient to determine the role of this variant in disease. Therefore, it has been classified as a Variant of Uncertain Significance. Algorithms developed to predict the effect of sequence changes on RNA splicing suggest that this variant may create or strengthen a splice site. Algorithms developed to predict the effect of missense changes on protein structure and function are either unavailable or do not agree on the potential impact of this missense change (SIFT: "Deleterious"; PolyPhen-2: "Probably Damaging"; Align-GVGD: "Class C0"). ClinVar contains an entry for this variant (Variation ID: 1355458). This variant has not been reported in the literature in individuals affected with CHD2-related conditions. This variant is not present in population databases (gnomAD no frequency). This sequence change replaces threonine, which is neutral and polar, with arginine, which is basic and polar, at codon 1541 of the CHD2 protein (p.Thr1541Arg).

NM_001271.4(CHD2):c.4622C>G (p.Thr1541Arg)

Gene: CHD2 (chromodomain helicase DNA binding protein 2; plus strand). Cytogenetic location: 15q26.1.
Variant type: single nucleotide variant.
Coding change: c.4622C>G on transcript NM_001271.4 (MANE Select); coding-DNA position 4622, C replaced by G.
Protein change: p.Thr1541Arg; replaces threonine 1541 with arginine.
Molecular consequence: missense variant.
Genome position (GRCh38, 1-based): chr15:93,012,374, C>G. VCF-style: chr15-93012374-C-G. GRCh37 (hg19) VCF-style: chr15-93555604-C-G.
Other names: short protein forms T1541R.
Identifiers: ClinVar variation 1355458 (VCV001355458.8), dbSNP rs2141885433, ClinGen allele CA393905063.